The following is an entry in ClinVar:

ClinVar aggregate classification (germline): Likely benign (1 of 4 stars; one submission).

gnomAD v4.1: 2,033 of 1,612,992 alleles (0.13%); highest among the groups gnomAD compares: Non-Finnish European, 0.095%; 12 homozygotes.

Submission:

CeGaT Center for Human Genetics Tuebingen
Classification: Likely benign. Last evaluated: 2026-08-01. Review status: criteria provided, single submitter. Criteria: CeGaT Center For Human Genetics Tuebingen Variant Classification Criteria Version 2. Collection method: clinical testing. Allele origin: germline. Affected: yes. Observed: 1 variant allele.
Comment: DOT1L: BP4, BP7

NM_032482.3(DOT1L):c.1398C>T (p.Ser466=)

Gene: DOT1L (DOT1 like histone lysine methyltransferase; plus strand). Cytogenetic location: 19p13.3.
Variant type: single nucleotide variant.
Coding change: c.1398C>T on transcript NM_032482.3 (MANE Select); coding-DNA position 1398, C replaced by T.
Protein change: p.Ser466=; no amino-acid change (serine 466 retained).
Molecular consequence: synonymous variant.
Genome position (GRCh38, 1-based): chr19:2,211,145, C>T. VCF-style: chr19-2211145-C-T. GRCh37 (hg19) VCF-style: chr19-2211144-C-T.
Other names: c.1398C>T, p.Ser466= (NM_001411141.1).
Identifiers: ClinVar variation 5038769 (VCV005038769.1).